The following is an entry in ClinVar:

NM_015443.4(KANSL1):c.1480T>G (p.Leu494Val)

Gene: KANSL1 (KAT8 regulatory NSL complex subunit 1). Cytogenetic location: 17q21.31.
Variant type: single nucleotide variant.
Coding change: c.1480T>G on transcript NM_015443.4 (MANE Select); coding-DNA position 1480, T replaced by G.
Protein change: p.Leu494Val; replaces leucine 494 with valine.
Molecular consequence: missense variant.
Genome position (GRCh38, 1-based): chr17:46,082,494, A>C on the plus strand (T>G on the coding strand, the complement: KANSL1 is on the minus strand). VCF-style: chr17-46082494-A-C. GRCh37 (hg19) VCF-style: chr17-44159860-A-C.
Other names: c.1480T>G, p.Leu494Val (NM_001193465.2, NM_001193466.2, NM_001379198.1 and 14 more transcripts); c.214T>G, p.Leu72Val (NM_001405882.1, NM_001405883.1, NM_001405884.1 and 1 more transcripts); short protein forms L494V, L72V.
Identifiers: ClinVar variation 2138182 (VCV002138182.5), dbSNP rs955924903, ClinGen allele CA291139465.

ClinVar aggregate classification (germline): Uncertain significance. Review status: criteria provided, multiple submitters, no conflicts (2 of 4 stars). 2 submissions from 2 submitters: Uncertain significance (2). Last evaluated 2024-03-11.

Conditions:
Koolen-de Vries syndrome (KDVS). Identifiers: Orphanet 96169, MedGen C1864871, MONDO:0012496, OMIM 610443.

Allele frequency attached by ClinVar (database versions not stated): TOPMed 0.00001; gnomAD 0.00003.
gnomAD v4.1: 4 of 1,612,760 alleles (0.00025%); highest among the groups gnomAD compares: African/African-American, 0.004%; no homozygotes.

Submissions (2):

Fulgent Genetics
Classification: Uncertain significance for Koolen-de Vries syndrome. Last evaluated: 2024-03-11. Review status: criteria provided, single submitter. Criteria: ACMG Guidelines, 2015. Collection method: clinical testing. Allele origin: germline.

Labcorp Genetics (formerly Invitae), Labcorp
Classification: Uncertain significance for Koolen-de Vries syndrome. Last evaluated: 2023-07-19. Review status: criteria provided, single submitter. Criteria: Invitae Variant Classification Sherloc (09022015). Collection method: clinical testing. Allele origin: germline.
Comment: In summary, the available evidence is currently insufficient to determine the role of this variant in disease. Therefore, it has been classified as a Variant of Uncertain Significance. Algorithms developed to predict the effect of missense changes on protein structure and function output the following: SIFT: "Not Available"; PolyPhen-2: "Benign"; Align-GVGD: "Not Available". The valine amino acid residue is found in multiple mammalian species, which suggests that this missense change does not adversely affect protein function. ClinVar contains an entry for this variant (Variation ID: 2138182). This variant has not been reported in the literature in individuals affected with KANSL1-related conditions. This variant is not present in population databases (gnomAD no frequency). This sequence change replaces leucine, which is neutral and non-polar, with valine, which is neutral and non-polar, at codon 494 of the KANSL1 protein (p.Leu494Val).